The following is an entry in ClinVar:

ClinVar aggregate classification (germline): Uncertain significance (1 of 4 stars; one submission).

Conditions:
Immunodeficiency 35 (IMD35). Also called: TYK2 DEFICIENCY; HIES WITH ATYPICAL MYCOBACTERIOSIS, AUTOSOMAL RECESSIVE; HYPER-IgE SYNDROME WITH ATYPICAL MYCOBACTERIOSIS, AUTOSOMAL RECESSIVE; Susceptibility to infection due to TYK2 deficiency. Identifiers: Orphanet 331226, MedGen C1969086, MONDO:0012682, OMIM 611521.

Submission:

Labcorp Genetics (formerly Invitae), Labcorp
Classification: Uncertain significance for Immunodeficiency 35. Last evaluated: 2021-12-24. Review status: criteria provided, single submitter. Criteria: Invitae Variant Classification Sherloc (09022015). Collection method: clinical testing. Allele origin: germline.
Comment: This variant, c.3016_3018del, results in the deletion of 1 amino acid(s) of the TYK2 protein (p.Gln1006del), but otherwise preserves the integrity of the reading frame. This variant is not present in population databases (gnomAD no frequency). This variant has not been reported in the literature in individuals affected with TYK2-related conditions. Experimental studies and prediction algorithms are not available or were not evaluated, and the functional significance of this variant is currently unknown. In summary, the available evidence is currently insufficient to determine the role of this variant in disease. Therefore, it has been classified as a Variant of Uncertain Significance.

NM_003331.5(TYK2):c.3013CAG[1] (p.Gln1006del)

Gene: TYK2 (tyrosine kinase 2; minus strand). Cytogenetic location: 19p13.2.
Variant type: Microsatellite.
Coding change: c.3013CAG[1] on transcript NM_003331.5 (MANE Select); one copy of the 3-base unit CAG starting at c.3013; the reference has two copies in a row; one copy, 3 bases deleted.
Protein change: p.Gln1006del; deletes glutamine 1006.
Molecular consequence: inframe deletion. On other transcripts: inframe indel (1).
Genome position (GRCh38, 1-based): chr19:10,353,537-10,353,539, CTG deleted on the plus strand (CAG on the coding strand, the reverse complement: TYK2 is on the minus strand); deleting any 3 consecutive bases within chr19:10,353,537-10,353,542 gives the same sequence; the position shown is the placement nearest the transcript's 3' end. VCF-style (leftmost placement, unchanged base first): chr19-10353536-TCTG-T. GRCh37 (hg19) VCF-style: chr19-10464212-TCTG-T.
Other names: c.3013CAG[1], p.Gln1006del (NM_001385197.1, NM_001385198.1); c.2827CAG[1], p.Gln944del (NM_001385199.1); c.3010CAG[1], p.Gln1005del (NM_001385200.1); c.2815CAG[1], p.Gln940del (NM_001385201.1); c.2929CAG[1], p.Gln978del (NM_001385202.1); c.3094CAG[1], p.Gln1033del (NM_001385203.1); c.3223CAG[1], p.Gln1076del (NM_001385204.1); c.2923CAG[1], p.Gln976del (NM_001385205.1); and 3 more; short protein forms Q1000del, Q1005del, Q1076del, Q978del, Q1006del, Q1033del, Q944del, Q964del.
Identifiers: ClinVar variation 2161440 (VCV002161440.4), dbSNP rs2512459943, ClinGen allele CA2580612587.